The following is an entry in ClinVar:

NM_000051.4(ATM):c.1438T>A (p.Leu480Ile)

Gene: ATM (ATM serine/threonine kinase; plus strand). Cytogenetic location: 11q22.3.
Variant type: single nucleotide variant.
Coding change: c.1438T>A on transcript NM_000051.4 (MANE Select); coding-DNA position 1438, T replaced by A.
Protein change: p.Leu480Ile; replaces leucine 480 with isoleucine.
Molecular consequence: missense variant.
Genome position (GRCh38, 1-based): chr11:108,250,903, T>A. VCF-style: chr11-108250903-T-A. GRCh37 (hg19) VCF-style: chr11-108121630-T-A.
Other names: NP_000042.3:p.Leu480Ile; c.1438T>A, p.Leu480Ile (NM_001351834.2); short protein forms L480I.
Identifiers: ClinVar variation 1679021 (VCV001679021.4), dbSNP rs879254243, ClinGen allele CA382534068.

ClinVar aggregate classification (germline): Uncertain significance. Review status: criteria provided, multiple submitters, no conflicts (2 of 4 stars). 2 submissions from 2 submitters: Uncertain significance (2). Last evaluated 2023-05-11.

Conditions:
Hereditary breast ovarian cancer syndrome. Also called: BRCA1- and BRCA2-Associated Hereditary Breast and Ovarian Cancer; Hereditary breast and ovarian cancer syndrome (HBOC); Hereditary breast and/or ovarian cancer syndrome; Breast and ovarian cancer; Hereditary breast and ovarian cancer; Hereditary breast and ovarian cancer syndrome. Identifiers: Orphanet 145, MedGen C0677776, MeSH D061325, MONDO:0003582. Disease mechanism: loss of function.
Ataxia-telangiectasia syndrome (AT). Also called: Ataxia-telangiectasia, complementation group D; AT, COMPLEMENTATION GROUP C; ATAXIA-TELANGIECTASIA, COMPLEMENTATION GROUP A; ATAXIA-TELANGIECTASIA, FRESNO VARIANT; Cerebello-oculocutaneous telangiectasia; Immunodeficiency with ataxia telangiectasia. Identifiers: Orphanet 100, MedGen C0004135, MONDO:0008840, OMIM 208900.

Submissions (2):

Labcorp Genetics (formerly Invitae), Labcorp
Classification: Uncertain significance for Ataxia-telangiectasia syndrome. Last evaluated: 2023-05-11. Review status: criteria provided, single submitter. Criteria: Invitae Variant Classification Sherloc (09022015). Collection method: clinical testing. Allele origin: germline.
Comment: ClinVar contains an entry for this variant (Variation ID: 1679021). This variant has not been reported in the literature in individuals affected with ATM-related conditions. This variant is not present in population databases (gnomAD no frequency). This sequence change replaces leucine, which is neutral and non-polar, with isoleucine, which is neutral and non-polar, at codon 480 of the ATM protein (p.Leu480Ile). In summary, the available evidence is currently insufficient to determine the role of this variant in disease. Therefore, it has been classified as a Variant of Uncertain Significance. An algorithm developed to predict the effect of missense changes on protein structure and function (PolyPhen-2) suggests that this variant is likely to be disruptive.

National Health Laboratory Service, Universitas Academic Hospital and University of the Free State
Classification: Uncertain significance for Hereditary breast ovarian cancer syndrome. Last evaluated: 2022-04-19. Review status: criteria provided, single submitter. Criteria: ACMG Guidelines, 2015. Collection method: clinical testing. Allele origin: germline. Affected: yes. Observed: 1 variant allele.